The following is an entry in ClinVar:

ClinVar aggregate classification (germline): Uncertain significance (1 of 4 stars; one submission).

Conditions:
Malignant hyperthermia, susceptibility to, 1 (MHS1). Also called: Anesthesia related hyperthermia; Malignant hyperpyrexia; Fulminating hyperpyrexia; Pharmacogenic myopathy; RYR1-Related Malignant Hyperthermia Susceptibility; Malignant hyperthermia suceptibility 1. Identifiers: Orphanet 423, MedGen C2930980, MONDO:0007783, OMIM 145600.

gnomAD v4.1: 1 of 1,614,176 alleles (0.000062%); highest among the groups gnomAD compares: Non-Finnish European, 0.000085%; no homozygotes.

Submission:

All of Us Research Program, National Institutes of Health
Classification: Uncertain significance for Malignant hyperthermia, susceptibility to, 1. Last evaluated: 2024-08-06. Review status: criteria provided, single submitter. Criteria: ACMG Guidelines, 2015. Collection method: clinical testing. Allele origin: germline. Inheritance: Autosomal dominant inheritance. Observed: 1 variant allele, 1 heterozygote.
Comment: This study involves interpretation of variants in research participants for the purpose of population health screening. Participant phenotype was not available at the time of variant classification. Additional details can be found in publication PMID: 35346344, PMCID: PMC8962531

NM_000540.3(RYR1):c.4667C>T (p.Thr1556Ile)

Gene: RYR1 (ryanodine receptor 1; plus strand). Cytogenetic location: 19q13.2.
Variant type: single nucleotide variant.
Coding change: c.4667C>T on transcript NM_000540.3 (MANE Select); coding-DNA position 4667, C replaced by T.
Protein change: p.Thr1556Ile; replaces threonine 1556 with isoleucine.
Molecular consequence: missense variant.
Genome position (GRCh38, 1-based): chr19:38,483,073, C>T. VCF-style: chr19-38483073-C-T. GRCh37 (hg19) VCF-style: chr19-38973713-C-T.
Other names: c.4667C>T, p.Thr1556Ile (NM_001042723.2); short protein forms T1556I.
Identifiers: ClinVar variation 3387720 (VCV003387720.1).